The following is an entry in ClinVar:

NM_152703.5(SAMD9L):c.295G>A (p.Glu99Lys)

Gene: SAMD9L (sterile alpha motif domain containing 9 like; minus strand). Cytogenetic location: 7q21.2.
Variant type: single nucleotide variant.
Coding change: c.295G>A on transcript NM_152703.5 (MANE Select); coding-DNA position 295, G replaced by A.
Protein change: p.Glu99Lys; replaces glutamic acid 99 with lysine.
Molecular consequence: missense variant.
Genome position (GRCh38, 1-based): chr7:93,135,677, C>T on the plus strand (G>A on the coding strand, the complement: SAMD9L is on the minus strand). VCF-style: chr7-93135677-C-T. GRCh37 (hg19) VCF-style: chr7-92764990-C-T.
Other names: c.295G>A, p.Glu99Lys (NM_001303496.3, NM_001303497.3, NM_001303498.3 and 5 more transcripts); short protein forms E99K.
Identifiers: ClinVar variation 5028930 (VCV005028930.1).
Genomic context (GRCh38, chr7:93,135,677, plus strand): 5'-TATTAGATGACATTGAATTTTCTTCTTCCTTTTTGGTGTGTTTTGGATTTTTCTGGTGTT[C>T]TGTTTTGGACGGTTTTGAATTATCTAATTGTCCCGGATCATGATTGTCACTTTCAGGGGA-3'
Protein context (NP_689916.2, residues 89-109): QLDNSKPSKT[Glu99Lys]HQKNPKHTKK

ClinVar aggregate classification (germline): Uncertain significance (1 of 4 stars; one submission).

Conditions:
Inborn genetic diseases. Identifiers: MedGen C0950123, MeSH D030342.

Submission:

Ambry Genetics
Classification: Uncertain significance for Inborn genetic diseases. Last evaluated: 2026-08-04. Review status: criteria provided, single submitter. Criteria: Ambry Variant Classification Scheme 2023. Collection method: clinical testing. Allele origin: germline.
Comment: The p.E99K variant (also known as c.295G>A), located in coding exon 1 of the SAMD9L gene, results from a G to A substitution at nucleotide position 295. The glutamic acid at codon 99 is replaced by lysine, an amino acid with similar properties. This amino acid position is conserved. In addition, this alteration is predicted to be tolerated by in silico analysis. Based on the available evidence, the clinical significance of this variant remains unclear.